The following is an entry in ClinVar:

NM_001851.6(COL9A1):c.143G>T (p.Arg48Met)

Gene: COL9A1 (collagen type IX alpha 1 chain; minus strand). Cytogenetic location: 6q13.
Variant type: single nucleotide variant.
Coding change: c.143G>T on transcript NM_001851.6 (MANE Select); coding-DNA position 143, G replaced by T.
Protein change: p.Arg48Met; replaces arginine 48 with methionine.
Molecular consequence: missense variant.
Genome position (GRCh38, 1-based): chr6:70,300,332, C>A on the plus strand (G>T on the coding strand, the complement: COL9A1 is on the minus strand). VCF-style: chr6-70300332-C-A. GRCh37 (hg19) VCF-style: chr6-71010035-C-A.
Other names: c.143G>T, p.Arg48Met (NM_001377291.1); c.143G>T (NM_001851.4); short protein forms R48M.
Identifiers: ClinVar variation 1417316 (VCV001417316.5), dbSNP rs368399817, ClinGen allele CA3882913.

ClinVar aggregate classification (germline): Uncertain significance. Review status: criteria provided, multiple submitters, no conflicts (2 of 4 stars). 3 submissions from 3 submitters: Uncertain significance (3). Last evaluated 2025-08-24.

Conditions:
Inborn genetic diseases. Identifiers: MedGen C0950123, MeSH D030342.

Allele frequency attached by ClinVar (database versions not stated): ExAC 0.00002; gnomAD 0.00002 and 0.00003; gnomAD exomes 0.00002; TOPMed 0.00002; ESP Exome Variant Server 0.00008.

Submissions (3):

Ambry Genetics
Classification: Uncertain significance for Inborn genetic diseases. Last evaluated: 2025-08-24. Review status: criteria provided, single submitter. Criteria: Ambry Variant Classification Scheme 2023. Collection method: clinical testing. Allele origin: germline.

Labcorp Genetics (formerly Invitae), Labcorp
Classification: Uncertain significance. Last evaluated: 2022-09-13. Review status: criteria provided, single submitter. Criteria: Invitae Variant Classification Sherloc (09022015). Collection method: clinical testing. Allele origin: germline.
Comment: This sequence change replaces arginine, which is basic and polar, with methionine, which is neutral and non-polar, at codon 48 of the COL9A1 protein (p.Arg48Met). This variant is present in population databases (rs368399817, gnomAD 0.005%). This variant has not been reported in the literature in individuals affected with COL9A1-related conditions. ClinVar contains an entry for this variant (Variation ID: 1417316). Advanced modeling of protein sequence and biophysical properties (such as structural, functional, and spatial information, amino acid conservation, physicochemical variation, residue mobility, and thermodynamic stability) performed at Invitae indicates that this missense variant is not expected to disrupt COL9A1 protein function. In summary, the available evidence is currently insufficient to determine the role of this variant in disease. Therefore, it has been classified as a Variant of Uncertain Significance.

AiLife Diagnostics
Classification: Uncertain significance. Last evaluated: 2022-03-24. Review status: criteria provided, single submitter. Criteria: ACMG Guidelines, 2015. Collection method: clinical testing. Allele origin: germline. Affected: yes. Observed: 1 variant allele.